The following is an entry in ClinVar:

ClinVar aggregate classification (germline): Uncertain significance (1 of 4 stars; one submission).

Submission:

Labcorp Genetics (formerly Invitae), Labcorp
Classification: Uncertain significance. Last evaluated: 2021-10-17. Review status: criteria provided, single submitter. Criteria: Invitae Variant Classification Sherloc (09022015). Collection method: clinical testing. Allele origin: germline.
Comment: In summary, the available evidence is currently insufficient to determine the role of this variant in disease. Therefore, it has been classified as a Variant of Uncertain Significance. Advanced modeling of protein sequence and biophysical properties (such as structural, functional, and spatial information, amino acid conservation, physicochemical variation, residue mobility, and thermodynamic stability) performed at Invitae indicates that this missense variant is not expected to disrupt ABL1 protein function. This variant has not been reported in the literature in individuals affected with ABL1-related conditions. This variant is not present in population databases (ExAC no frequency). This sequence change replaces proline with leucine at codon 977 of the ABL1 protein (p.Pro977Leu). The proline residue is moderately conserved and there is a moderate physicochemical difference between proline and leucine.

NM_005157.6(ABL1):c.2873C>T (p.Pro958Leu)

Gene: ABL1 (ABL proto-oncogene 1, non-receptor tyrosine kinase; plus strand). Cytogenetic location: 9q34.12.
Variant type: single nucleotide variant.
Coding change: c.2873C>T on transcript NM_005157.6 (MANE Select); coding-DNA position 2873, C replaced by T.
Protein change: p.Pro958Leu; replaces proline 958 with leucine.
Molecular consequence: missense variant.
Genome position (GRCh38, 1-based): chr9:130,885,163, C>T. VCF-style: chr9-130885163-C-T. GRCh37 (hg19) VCF-style: chr9-133760550-C-T.
Other names: c.2930C>T, p.Pro977Leu (NM_007313.3); short protein forms P977L, P958L.
Identifiers: ClinVar variation 1387610 (VCV001387610.6), dbSNP rs2133039034, ClinGen allele CA375260317.
Genomic context (GRCh38, chr9:130,885,163, plus strand): 5'-TTGATGCTGTGAACAGTGACGCTGCCAAGCCCAGCCAGCCGGGAGAGGGCCTCAAAAAGC[C>T]CGTGCTCCCGGCCACTCCAAAGCCACAGTCCGCCAAGCCGTCGGGGACCCCCATCAGCCC-3'
Protein context (NP_005148.2, residues 948-968): PSQPGEGLKK[Pro958Leu]VLPATPKPQS